The following is an entry in ClinVar:

NM_001287.6(CLCN7):c.1010C>A (p.Thr337Asn)

Gene: CLCN7 (chloride voltage-gated channel 7; minus strand). Cytogenetic location: 16p13.3.
Variant type: single nucleotide variant.
Coding change: c.1010C>A on transcript NM_001287.6 (MANE Select); coding-DNA position 1010, C replaced by A.
Protein change: p.Thr337Asn; replaces threonine 337 with asparagine.
Molecular consequence: missense variant.
Genome position (GRCh38, 1-based): chr16:1,455,222, G>T on the plus strand (C>A on the coding strand, the complement: CLCN7 is on the minus strand). VCF-style: chr16-1455222-G-T. GRCh37 (hg19) VCF-style: chr16-1505223-G-T.
Other names: c.938C>A, p.Thr313Asn (NM_001114331.3); short protein forms T313N, T337N.
Identifiers: ClinVar variation 3015500 (VCV003015500.3), dbSNP rs1268246721, ClinGen allele CA394189865.

ClinVar aggregate classification (germline): Uncertain significance (1 of 4 stars; one submission).

Allele frequency attached by ClinVar (database versions not stated): gnomAD exomes below 0.00001.
gnomAD v4.1: 1 of 1,613,378 alleles (0.000062%); highest among the groups gnomAD compares: Non-Finnish European, 0.000085%; no homozygotes.

Submission:

Labcorp Genetics (formerly Invitae), Labcorp
Classification: Uncertain significance. Last evaluated: 2024-04-25. Review status: criteria provided, single submitter. Criteria: Invitae Variant Classification Sherloc (09022015). Collection method: clinical testing. Allele origin: germline.
Comment: This sequence change replaces threonine, which is neutral and polar, with asparagine, which is neutral and polar, at codon 337 of the CLCN7 protein (p.Thr337Asn). This variant is present in population databases (no rsID available, gnomAD 0.0009%). This variant has not been reported in the literature in individuals affected with CLCN7-related conditions. Advanced modeling of protein sequence and biophysical properties (such as structural, functional, and spatial information, amino acid conservation, physicochemical variation, residue mobility, and thermodynamic stability) performed at Invitae indicates that this missense variant is expected to disrupt CLCN7 protein function with a positive predictive value of 95%. In summary, the available evidence is currently insufficient to determine the role of this variant in disease. Therefore, it has been classified as a Variant of Uncertain Significance.